The following is an entry in ClinVar:

NM_004713.6(NEMF):c.232-9T>C

Gene: NEMF (nuclear export mediator factor; minus strand). Cytogenetic location: 14q21.3.
Variant type: single nucleotide variant.
Coding change: c.232-9T>C on transcript NM_004713.6 (MANE Select); 9 bases into the intron before coding-DNA position 232, T replaced by C.
Molecular consequence: intron variant.
Genome position (GRCh38, 1-based): chr14:49,846,274, A>G on the plus strand (T>C on the coding strand, the complement: NEMF is on the minus strand). VCF-style: chr14-49846274-A-G. GRCh37 (hg19) VCF-style: chr14-50312992-A-G.
Other names: c.232-9T>C (NM_001301732.3).
Identifiers: ClinVar variation 3038223 (VCV003038223.2), dbSNP rs75277784, ClinGen allele CA7175713.

ClinVar aggregate classification (germline): Benign (0 of 4 stars; one submission).

Conditions:
NEMF-related disorder. Also called: NEMF-related condition.

Allele frequency attached by ClinVar (database versions not stated): ExAC 0.00158; gnomAD 0.00472; 1000 Genomes Project 30x 0.00515; ESP Exome Variant Server 0.00523; 1000 Genomes Project 0.00539; TOPMed 0.00546.
gnomAD v4.1: 1,446 of 1,608,234 alleles (0.09%); highest among the groups gnomAD compares: African/African-American, 1.7%; 12 homozygotes.

Submission:

PreventionGenetics, part of Exact Sciences
Classification: Benign for NEMF-related condition. Last evaluated: 2019-05-01. Review status: no assertion criteria provided. Collection method: clinical testing. Allele origin: germline.
Comment: This variant is classified as benign based on ACMG/AMP sequence variant interpretation guidelines (Richards et al. 2015 PMID: 25741868, with internal and published modifications).